The following is an entry in ClinVar:

NM_006767.4(LZTR1):c.2406+1G>C

Gene: LZTR1 (leucine zipper like post translational regulator 1; plus strand). Cytogenetic location: 22q11.21.
Variant type: single nucleotide variant.
Coding change: c.2406+1G>C on transcript NM_006767.4 (MANE Select); the canonical splice donor site of the intron after coding-DNA position 2406, G replaced by C.
Molecular consequence: splice donor variant.
Genome position (GRCh38, 1-based): chr22:20,996,967, G>C. VCF-style: chr22-20996967-G-C. GRCh37 (hg19) VCF-style: chr22-21351256-G-C.
Identifiers: ClinVar variation 3238242 (VCV003238242.1), dbSNP rs770322736.
Genomic context (GRCh38, chr22:20,996,967, plus strand): 5'-ACGCAGGCACTGGACATGAAGCGGCACTGCCTGCACATCATTGTGCACCAGTTCACCAAG[G>C]TCAGGGCTCTGGCCTCCCCTTCAGGACTCGCTTCCCCTTGGCAGTGGCCATGCCCAGGCA-3'

ClinVar aggregate classification (germline): Likely pathogenic (1 of 4 stars; one submission).

Conditions:
Hereditary cancer-predisposing syndrome. Also called: Neoplastic Syndromes, Hereditary; Tumor predisposition; Hereditary neoplastic syndrome; Hereditary Cancer Syndrome. Identifiers: Orphanet 140162, MedGen C0027672, MeSH D009386, MONDO:0015356.
Cardiovascular phenotype. Identifiers: MedGen CN230736.

Submission:

Ambry Genetics
Classification: Likely pathogenic for Cardiovascular phenotype; Hereditary cancer-predisposing syndrome. Last evaluated: 2023-12-13. Review status: criteria provided, single submitter. Criteria: Ambry Variant Classification Scheme 2023. Collection method: clinical testing. Allele origin: germline.
Comment: The c.2406+1G>C intronic variant results from a G to C substitution one nucleotide after coding exon 20 of the LZTR1 gene. Alterations that disrupt the canonical splice site are expected to result in aberrant splicing. In silico splice site analysis predicts that this alteration will weaken the native splice donor site. RNA studies have demonstrated that this alteration results in abnormal splicing in the set of samples tested (Ambry internal data). The resulting transcript is predicted to be in-frame and is not expected to trigger nonsense-mediated mRNAdecay; however, direct evidence is unavailable. The exact functional effect of the altered amino acid sequence is unknown; however, the impacted region is critical for protein function (Ambry internal data). This variant is considered to be rare based on population cohorts in the Genome Aggregation Database (gnomAD). This nucleotide position is highly conserved in available vertebrate species. Based on the supporting evidence, this variant is likely pathogenic for an increased risk of LZTR1-related schwannomatosis (SWN) and would be expected to cause autosomal recessive Noonan syndrome when present along with a second pathogenic or likely pathogenic variant on the other allele.